The following is an entry in ClinVar:

NM_001375567.1(FOCAD):c.3546G>A (p.Thr1182=)

Gene: FOCAD (focadhesin; plus strand). Cytogenetic location: 9p21.3.
Variant type: single nucleotide variant.
Coding change: c.3546G>A on transcript NM_001375567.1 (MANE Select); coding-DNA position 3546, G replaced by A.
Protein change: p.Thr1182=; no amino-acid change (threonine 1182 retained).
Molecular consequence: synonymous variant.
Genome position (GRCh38, 1-based): chr9:20,944,765, G>A. VCF-style: chr9-20944765-G-A. GRCh37 (hg19) VCF-style: chr9-20944764-G-A.
Other names: c.3441G>A, p.Thr1147= (NM_001375568.1, NM_001375570.1); c.3546G>A, p.Thr1182= (NM_017794.5).
Identifiers: ClinVar variation 788792 (VCV000788792.10), dbSNP rs59290932, ClinGen allele CA5007588.

ClinVar aggregate classification (germline): Benign. Review status: criteria provided, multiple submitters, no conflicts (2 of 4 stars). 4 submissions from 4 submitters: Benign (3). 1 of the submissions does not count toward it. Last evaluated 2026-02-02.

Conditions:
FOCAD-related disorder. Also called: FOCAD-related condition.

Allele frequency attached by ClinVar (database versions not stated): gnomAD 0.01793 and 0.01930; 1000 Genomes Project 0.01877; 1000 Genomes Project 30x 0.02014; TOPMed 0.02036; ESP Exome Variant Server 0.02153; gnomAD exomes 0.00184 and 0.00482; ExAC 0.00626.
gnomAD v4.1: 5,527 of 1,611,116 alleles (0.34%); highest among the groups gnomAD compares: African/African-American, 6.1%; 151 homozygotes.

Submissions (4):

Labcorp Genetics (formerly Invitae), Labcorp
Classification: Benign. Last evaluated: 2026-02-02. Review status: criteria provided, single submitter. Criteria: Invitae Variant Classification Sherloc (09022015). Collection method: clinical testing. Allele origin: germline.

GeneDx
Classification: Benign. Last evaluated: 2019-07-26. Review status: criteria provided, single submitter. Criteria: GeneDx Variant Classification Process June 2021. Collection method: clinical testing. Allele origin: germline. Affected: yes.

Breakthrough Genomics
Classification: Benign. Review status: criteria provided, single submitter. Criteria: ACMG Guidelines, 2015. Collection method: not provided. Allele origin: germline. Inheritance: Autosomal recessive inheritance. Affected: yes.

PreventionGenetics, part of Exact Sciences
Classification: Benign for FOCAD-related condition. Last evaluated: 2019-03-08. Review status: no assertion criteria provided. Collection method: clinical testing. Allele origin: germline. Not counted in ClinVar's aggregate classification.
Comment: This variant is classified as benign based on ACMG/AMP sequence variant interpretation guidelines (Richards et al. 2015 PMID: 25741868, with internal and published modifications).